The following is an entry in ClinVar:

NM_001042492.3(NF1):c.7097del (p.Pro2366fs)

Gene: NF1 (neurofibromin 1; plus strand). Cytogenetic location: 17q11.2.
Variant type: Deletion.
Coding change: c.7097del on transcript NM_001042492.3 (MANE Select); coding-DNA position 7097, one base deleted (C; older notation c.7097delC).
Protein change: p.Pro2366fs; shifts the reading frame from proline 2366.
Molecular consequence: frameshift variant.
Genome position (GRCh38, 1-based): chr17:31,343,043, C deleted; the last of 2 consecutive C bases (chr17:31,343,042-31,343,043); deleting either gives the same sequence. VCF-style (leftmost placement, unchanged base first): chr17-31343041-TC-T. GRCh37 (hg19) VCF-style: chr17-29670059-TC-T.
Other names: c.7034delC, p.Pro2345Leufs (NM_000267.4); short protein forms P2345fs, P2366fs.
Identifiers: ClinVar variation 2845320 (VCV002845320.3), dbSNP rs2508779631, ClinGen allele CA2739265558.

ClinVar aggregate classification (germline): Pathogenic (1 of 4 stars; one submission).

Conditions:
Neurofibromatosis, type 1 (NF1). Also called: Neurofibromatosis, type I; VON RECKLINGHAUSEN DISEASE; NEUROFIBROMATOSIS, TYPE I, SOMATIC; Peripheral type neurofibromatosis. Identifiers: Orphanet 636, MedGen C0027831, MONDO:0018975, OMIM 162200. Disease mechanism: loss of function.

Submission:

Labcorp Genetics (formerly Invitae), Labcorp
Classification: Pathogenic for Neurofibromatosis, type 1. Last evaluated: 2023-03-13. Review status: criteria provided, single submitter. Criteria: Invitae Variant Classification Sherloc (09022015). Collection method: clinical testing. Allele origin: germline.
Comment: For these reasons, this variant has been classified as Pathogenic. This variant has not been reported in the literature in individuals affected with NF1-related conditions. This variant is not present in population databases (gnomAD no frequency). This sequence change creates a premature translational stop signal (p.Pro2345Leufs*30) in the NF1 gene. It is expected to result in an absent or disrupted protein product. Loss-of-function variants in NF1 are known to be pathogenic (PMID: 10712197, 23913538).

Literature cited by the submitters: PubMed 10712197; PubMed 23913538.